The following is an entry in ClinVar:

NM_017617.5(NOTCH1):c.6120T>C (p.Asn2040=)

Genes: NOTCH1 (notch receptor 1; minus strand), LOC126860794 (BRD4-independent group 4 enhancer GRCh37_chr9:139392592-139393791; plus strand). Cytogenetic location: 9q34.3.
Variant type: single nucleotide variant.
Coding change: c.6120T>C on transcript NM_017617.5 (MANE Select); coding-DNA position 6120, T replaced by C.
Protein change: p.Asn2040=; no amino-acid change (asparagine 2040 retained).
Molecular consequence: synonymous variant.
Genome position (GRCh38, 1-based): chr9:136,498,959, A>G on the plus strand (T>C on the coding strand, the complement: NOTCH1 is on the minus strand). VCF-style: chr9-136498959-A-G. GRCh37 (hg19) VCF-style: chr9-139393411-A-G.
Other names: c.6120T>C, p.Asn2040= (LRG_1122t1); c.6120T>C (NM_017617.4).
Identifiers: ClinVar variation 415421 (VCV000415421.21), dbSNP rs201625763, ClinGen allele CA5340014.
Genomic context (GRCh38, chr9:136,498,959, plus strand): 5'-CCTGTTGTTCTGCATATCTTTGTTAGCCCCGTTCTTCAGGAGCACAACTGCGGCATCCAC[A>G]TTGTTCACGGCGGCGGCCCAGTGCAGGGCGGACTTGCCTGCGTGAAAGAAGCAGATGGGG-3'
Protein context (NP_060087.3, residues 2030-2050): SALHWAAAVN[Asn2040=]VDAAVVLLKN

ClinVar aggregate classification (germline): Benign/Likely benign. Review status: criteria provided, multiple submitters, no conflicts (2 of 4 stars). 9 submissions from 8 submitters: Benign (4); Likely benign (4). 1 of the submissions does not count toward it. Last evaluated 2026-01-13.

Conditions:
Adams-Oliver syndrome 5 (AOS5). Identifiers: Orphanet 974, MedGen C4014970, MONDO:0014459, OMIM 616028.
NOTCH1-related disorder. Also called: NOTCH1-related condition; NOTCH1-related disorders.
Familial thoracic aortic aneurysm and aortic dissection (TAAD). Also called: Thoracic aortic aneurysms and dissections. Identifiers: Orphanet 91387, MedGen C4707243, MONDO:0019625.
Aortic valve disease 1 (AOVD1). Identifiers: MedGen C3887892, MONDO:0024523, OMIM 109730.

Allele frequency attached by ClinVar (database versions not stated): gnomAD 0.00004 and 0.00009; TOPMed 0.00007; gnomAD exomes 0.00017 and 0.00020; ExAC 0.00027; 1000 Genomes Project 30x 0.00047; 1000 Genomes Project 0.00060.
gnomAD v4.1: 265 of 1,613,664 alleles (0.016%); highest among the groups gnomAD compares: South Asian, 0.17%; no homozygotes.

Submissions (9):

Labcorp Genetics (formerly Invitae), Labcorp
Classification: Benign for Adams-Oliver syndrome 5. Last evaluated: 2026-01-13. Review status: criteria provided, single submitter. Criteria: Invitae Variant Classification Sherloc (09022015). Collection method: clinical testing. Allele origin: germline.

Women's Health and Genetics/Laboratory Corporation of America, LabCorp
Classification: Benign. Last evaluated: 2024-07-28. Review status: criteria provided, single submitter. Criteria: LabCorp Variant Classification Summary - May 2015. Collection method: clinical testing. Allele origin: germline.

Blueprint Genetics
Classification: Likely benign. Last evaluated: 2024-07-01. Review status: criteria provided, single submitter. Criteria: ACMG Guidelines, 2015. Collection method: clinical testing. Allele origin: germline.

ARUP Laboratories, Molecular Genetics and Genomics, ARUP Laboratories
Classification: Likely benign. Last evaluated: 2023-11-10. Review status: criteria provided, single submitter. Criteria: ARUP Molecular Germline Variant Investigation Process 2024. Collection method: clinical testing. Allele origin: germline.

Genome-Nilou Lab
Classification: Benign for Adams-Oliver syndrome 5. Last evaluated: 2022-03-15. Review status: criteria provided, single submitter. Criteria: ACMG Guidelines, 2015. Collection method: clinical testing. Allele origin: germline. Affected: no.

Genome-Nilou Lab
Classification: Benign for Aortic valve disease 1. Last evaluated: 2022-03-15. Review status: criteria provided, single submitter. Criteria: ACMG Guidelines, 2015. Collection method: clinical testing. Allele origin: germline. Affected: no.

GeneDx
Classification: Likely benign. Last evaluated: 2020-11-24. Review status: criteria provided, single submitter. Criteria: GeneDx Variant Classification Process June 2021. Collection method: clinical testing. Allele origin: germline. Affected: yes.

Ambry Genetics
Classification: Likely benign for Familial thoracic aortic aneurysm and aortic dissection. Last evaluated: 2020-11-03. Review status: criteria provided, single submitter. Criteria: Ambry Variant Classification Scheme 2023. Collection method: clinical testing. Allele origin: germline.

PreventionGenetics, part of Exact Sciences
Classification: Likely benign for NOTCH1-related condition. Last evaluated: 2019-08-13. Review status: no assertion criteria provided. Collection method: clinical testing. Allele origin: germline. Not counted in ClinVar's aggregate classification.
Comment: This variant is classified as likely benign based on ACMG/AMP sequence variant interpretation guidelines (Richards et al. 2015 PMID: 25741868, with internal and published modifications).

Literature cited by the submitters: PubMed 24943832 (cited by Women's Health and Genetics/Laboratory Corporation of America, LabCorp); PubMed 16614245 (cited by Women's Health and Genetics/Laboratory Corporation of America, LabCorp); PubMed 21670202 (cited by Women's Health and Genetics/Laboratory Corporation of America, LabCorp); PubMed 22210878 (cited by Women's Health and Genetics/Laboratory Corporation of America, LabCorp); PubMed 19635999 (cited by Women's Health and Genetics/Laboratory Corporation of America, LabCorp); PubMed 26837699 (cited by Women's Health and Genetics/Laboratory Corporation of America, LabCorp); PubMed 23086750 (cited by Women's Health and Genetics/Laboratory Corporation of America, LabCorp); PubMed 19245433 (cited by Women's Health and Genetics/Laboratory Corporation of America, LabCorp); PubMed 22077063 (cited by Women's Health and Genetics/Laboratory Corporation of America, LabCorp); PubMed 15472075 (cited by Women's Health and Genetics/Laboratory Corporation of America, LabCorp); PubMed 23734977 (cited by Women's Health and Genetics/Laboratory Corporation of America, LabCorp); PubMed 22858860 (cited by Women's Health and Genetics/Laboratory Corporation of America, LabCorp).